The following is an entry in ClinVar:

ClinVar aggregate classification (germline): Uncertain significance (1 of 4 stars; one submission).

Submission:

Labcorp Genetics (formerly Invitae), Labcorp
Classification: Uncertain significance. Last evaluated: 2023-11-12. Review status: criteria provided, single submitter. Criteria: Invitae Variant Classification Sherloc (09022015). Collection method: clinical testing. Allele origin: germline.
Comment: This variant, c.3562_3564dup, results in the insertion of 1 amino acid(s) of the RERE protein (p.Lys1188dup), but otherwise preserves the integrity of the reading frame. The frequency data for this variant in the population databases is considered unreliable, as metrics indicate poor data quality at this position in the gnomAD database. This variant has not been reported in the literature in individuals affected with RERE-related conditions. Experimental studies and prediction algorithms are not available or were not evaluated, and the functional significance of this variant is currently unknown. In summary, the available evidence is currently insufficient to determine the role of this variant in disease. Therefore, it has been classified as a Variant of Uncertain Significance.

NM_001042681.2(RERE):c.3562_3564dup (p.Lys1188_Glu1189insLys)

Gene: RERE (arginine-glutamic acid dipeptide repeats; minus strand). Cytogenetic location: 1p36.23.
Variant type: Duplication.
Coding change: c.3562_3564dup on transcript NM_001042681.2 (MANE Select); coding-DNA positions 3562 to 3564, 3 bases duplicated (AAG; older notation c.3562_3564dupAAG).
Protein change: p.Lys1188_Glu1189insLys.
Molecular consequence: inframe insertion.
Genome position (GRCh38, 1-based): chr1:8,359,818-8,359,820, CTT duplicated on the plus strand (AAG on the coding strand, the reverse complement: RERE is on the minus strand); duplicating any 3 consecutive bases within chr1:8,359,818-8,359,822 gives the same sequence; the c. name uses the placement nearest the transcript's 3' end. VCF-style (leftmost placement, unchanged base first): chr1-8359817-C-CCTT. GRCh37 (hg19) VCF-style: chr1-8419877-C-CCTT.
Other names: c.1900_1902dup, p.Lys634_Glu635insLys (NM_001042682.2); c.3562_3564dup, p.Lys1188_Glu1189insLys (NM_012102.4).
Identifiers: ClinVar variation 2956903 (VCV002956903.3), dbSNP rs758747347, ClinGen allele CA571112.
Genomic context (GRCh38, chr1:8,359,817, plus strand): 5'-GACTCACAGCCGCCCGCTCTGCCTCGCGCTCCCGCTCTCGCTCCCGCTCCCGCTCCTTCT[C>CCTT]CTTCTCCTTCTCCCGCTCTCGCTCCTCTCGGGCTTTCTGCTCAGCCTCGCGCTTGGCCTT-3'